The following is an entry in ClinVar:

NM_003190.5(TAPBP):c.1013G>A (p.Gly338Asp)

Gene: TAPBP (TAP binding protein; minus strand). Cytogenetic location: 6p21.32.
Variant type: single nucleotide variant.
Coding change: c.1013G>A on transcript NM_003190.5 (MANE Select); coding-DNA position 1013, G replaced by A.
Protein change: p.Gly338Asp; replaces glycine 338 with aspartic acid.
Molecular consequence: missense variant.
Genome position (GRCh38, 1-based): chr6:33,304,494, C>T on the plus strand (G>A on the coding strand, the complement: TAPBP is on the minus strand). VCF-style: chr6-33304494-C-T. GRCh37 (hg19) VCF-style: chr6-33272271-C-T.
Other names: c.1013G>A, p.Gly338Asp (NM_001410875.1, NM_172208.3); c.752G>A, p.Gly251Asp (NM_172209.3); short protein forms G251D, G338D.
Identifiers: ClinVar variation 2081415 (VCV002081415.4), dbSNP rs1270992067, ClinGen allele CA363689117.

ClinVar aggregate classification (germline): Uncertain significance (1 of 4 stars; one submission).

Conditions:
MHC class I deficiency. Identifiers: Orphanet 34592, MedGen C6024714, MONDO:0011476.

Submission:

Labcorp Genetics (formerly Invitae), Labcorp
Classification: Uncertain significance for MHC class I deficiency 1. Last evaluated: 2022-05-10. Review status: criteria provided, single submitter. Criteria: Invitae Variant Classification Sherloc (09022015). Collection method: clinical testing. Allele origin: germline.
Comment: In summary, the available evidence is currently insufficient to determine the role of this variant in disease. Therefore, it has been classified as a Variant of Uncertain Significance. Algorithms developed to predict the effect of missense changes on protein structure and function (SIFT, PolyPhen-2, Align-GVGD) all suggest that this variant is likely to be tolerated. This variant has not been reported in the literature in individuals affected with TAPBP-related conditions. This variant is not present in population databases (gnomAD no frequency). This sequence change replaces glycine, which is neutral and non-polar, with aspartic acid, which is acidic and polar, at codon 338 of the TAPBP protein (p.Gly338Asp).